The following is an entry in ClinVar:

NM_000430.4(PAFAH1B1):c.155A>G (p.Glu52Gly)

Gene: PAFAH1B1 (platelet activating factor acetylhydrolase 1b regulatory subunit 1; plus strand). Cytogenetic location: 17p13.3.
Variant type: single nucleotide variant.
Coding change: c.155A>G on transcript NM_000430.4 (MANE Select); coding-DNA position 155, A replaced by G.
Protein change: p.Glu52Gly; replaces glutamic acid 52 with glycine.
Molecular consequence: missense variant.
Genome position (GRCh38, 1-based): chr17:2,666,053, A>G. VCF-style: chr17-2666053-A-G. GRCh37 (hg19) VCF-style: chr17-2569347-A-G.
Other names: short protein forms E52G.
Identifiers: ClinVar variation 1418117 (VCV001418117.6), dbSNP rs2069103350, ClinGen allele CA397638411.

ClinVar aggregate classification (germline): Uncertain significance (1 of 4 stars; one submission).

Allele frequency attached by ClinVar (database versions not stated): gnomAD exomes below 0.00001; TOPMed below 0.00001; gnomAD 0.00001; 1000 Genomes Project 30x 0.00016.
gnomAD v4.1: 6 of 1,513,980 alleles (0.0004%); highest among the groups gnomAD compares: African/African-American, 0.0027%; no homozygotes.

Submission:

Labcorp Genetics (formerly Invitae), Labcorp
Classification: Uncertain significance. Last evaluated: 2025-06-24. Review status: criteria provided, single submitter. Criteria: Invitae Variant Classification Sherloc (09022015). Collection method: clinical testing. Allele origin: germline.
Comment: This sequence change replaces glutamic acid, which is acidic and polar, with glycine, which is neutral and non-polar, at codon 52 of the PAFAH1B1 protein (p.Glu52Gly). This variant is not present in population databases (gnomAD no frequency). This variant has not been reported in the literature in individuals affected with PAFAH1B1-related conditions. ClinVar contains an entry for this variant (Variation ID: 1418117). An algorithm developed to predict the effect of missense changes on protein structure and function (PolyPhen-2) suggests that this variant is likely to be tolerated. In summary, the available evidence is currently insufficient to determine the role of this variant in disease. Therefore, it has been classified as a Variant of Uncertain Significance.